The following is an entry in ClinVar:

ClinVar aggregate classification (germline): Uncertain significance (1 of 4 stars; one submission).

Conditions:
Atrioventricular septal defect 4 (AVSD4). Identifiers: MedGen C3280781, MONDO:0013747, OMIM 614430.

gnomAD v4.1: 1 of 1,478,620 alleles (0.000068%); highest among the groups gnomAD compares: Middle Eastern, 0.024%; no homozygotes.

Submission:

Labcorp Genetics (formerly Invitae), Labcorp
Classification: Uncertain significance for Atrioventricular septal defect 4. Last evaluated: 2025-08-18. Review status: criteria provided, single submitter. Criteria: Invitae Variant Classification Sherloc (09022015). Collection method: clinical testing. Allele origin: germline.
Comment: This sequence change replaces alanine, which is neutral and non-polar, with threonine, which is neutral and polar, at codon 164 of the GATA4 protein (p.Ala164Thr). This variant is not present in population databases (gnomAD no frequency). This variant has not been reported in the literature in individuals affected with GATA4-related conditions. Invitae Evidence Modeling of protein sequence and biophysical properties (such as structural, functional, and spatial information, amino acid conservation, physicochemical variation, residue mobility, and thermodynamic stability) indicates that this missense variant is not expected to disrupt GATA4 protein function with a negative predictive value of 95%. In summary, the available evidence is currently insufficient to determine the role of this variant in disease. Therefore, it has been classified as a Variant of Uncertain Significance.

NM_001308093.3(GATA4):c.490G>A (p.Ala164Thr)

Gene: GATA4 (GATA binding protein 4). Cytogenetic location: 8p23.1.
Variant type: single nucleotide variant.
Coding change: c.490G>A on transcript NM_001308093.3 (MANE Select); coding-DNA position 490, G replaced by A.
Protein change: p.Ala164Thr; replaces alanine 164 with threonine.
Molecular consequence: missense variant. On other transcripts: intron variant (3).
Genome position (GRCh38, 1-based): chr8:11,708,802, G>A. VCF-style: chr8-11708802-G-A. GRCh37 (hg19) VCF-style: chr8-11566311-G-A.
Other names: c.490G>A, p.Ala164Thr (NM_002052.5); c.-6+8024G>A (NM_001308094.2); c.-3+788G>A (NM_001374274.1); c.-3+4498G>A (NM_001374273.1); short protein forms A164T.
Identifiers: ClinVar variation 4797206 (VCV004797206.1).